The following is an entry in ClinVar:

NM_001110556.2(FLNA):c.6976G>C (p.Ala2326Pro)

Gene: FLNA (filamin A; minus strand). Cytogenetic location: Xq28.
Variant type: single nucleotide variant.
Coding change: c.6976G>C on transcript NM_001110556.2 (MANE Select); coding-DNA position 6976, G replaced by C.
Protein change: p.Ala2326Pro; replaces alanine 2326 with proline.
Molecular consequence: missense variant.
Genome position (GRCh38, 1-based): chrX:154,351,628, C>G on the plus strand (G>C on the coding strand, the complement: FLNA is on the minus strand). VCF-style: chrX-154351628-C-G. GRCh37 (hg19) VCF-style: chrX-153579996-C-G.
Other names: c.6952G>C, p.Ala2318Pro (NM_001456.4); short protein forms A2318P, A2326P.
Identifiers: ClinVar variation 4083110 (VCV004083110.1).

ClinVar aggregate classification (germline): Uncertain significance (1 of 4 stars; one submission).

Submission:

GeneDx
Classification: Uncertain significance. Last evaluated: 2025-03-10. Review status: criteria provided, single submitter. Criteria: GeneDx Variant Classification Process June 2021. Collection method: clinical testing. Allele origin: germline. Affected: yes.
Comment: Not observed at significant frequency in large population cohorts (gnomAD); In silico analysis supports that this missense variant has a deleterious effect on protein structure/function; Has not been previously published as pathogenic or benign to our knowledge